The following is an entry in ClinVar:

NM_054027.6(ANKH):c.*5641A>G

Genes: ANKH (ANKH inorganic pyrophosphate transport regulator; minus strand), OTULIN (OTU deubiquitinase with linear linkage specificity; plus strand). Cytogenetic location: 5p15.2.
Variant type: single nucleotide variant.
Coding change: c.*5641A>G on transcript NM_054027.6 (MANE Select); 5641 bases downstream of the stop codon, A replaced by G.
Molecular consequence: 3 prime UTR variant.
Genome position (GRCh38, 1-based): chr5:14,705,556, T>C on the plus strand (A>G on the coding strand, the complement: ANKH is on the minus strand). VCF-style: chr5-14705556-T-C. GRCh37 (hg19) VCF-style: chr5-14705665-T-C.
Identifiers: ClinVar variation 351403 (VCV000351403.6), dbSNP rs26307, ClinGen allele CA10623149.

ClinVar aggregate classification (germline): Benign. Review status: criteria provided, multiple submitters, no conflicts (2 of 4 stars). 3 submissions from 2 submitters: Benign (3). Last evaluated 2018-01-13.

Conditions:
Chondrocalcinosis 2. Also called: CALCIUM GOUT; CALCIUM PYROPHOSPHATE ARTHROPATHY; Familial calcium pyrophosphate deposition. Identifiers: Orphanet 1416, MedGen C0856830, MONDO:0007319, OMIM 118600.
Craniometaphyseal dysplasia, autosomal dominant (CMDD). Identifiers: Orphanet 1522, MedGen C1852502, MONDO:0007397, OMIM 123000.

Allele frequency attached by ClinVar (database versions not stated): 1000 Genomes Project 30x 0.70081; 1000 Genomes Project 0.70527; TOPMed 0.70654; gnomAD 0.71463 and 0.72032; gnomAD exomes 0.81818.
gnomAD v4.1: 109,766 of 152,188 alleles (72%); highest among the groups gnomAD compares: Middle Eastern, 85%; 40,785 homozygotes.

Submissions (3):

Illumina Laboratory Services, Illumina
Classification: Benign for Chondrocalcinosis 2. Last evaluated: 2018-01-13. Review status: criteria provided, single submitter. Criteria: ICSL Variant Classification Criteria 13 December 2019. Collection method: clinical testing. Allele origin: germline.
Comment: This variant was observed in the ICSL laboratory as part of a predisposition screen in an ostensibly healthy population. It had not been previously curated by ICSL or reported in the Human Gene Mutation Database (HGMD: prior to June 1st, 2018), and was therefore a candidate for classification through an automated scoring system. Utilizing variant allele frequency, disease prevalence and penetrance estimates, and inheritance mode, an automated score was calculated to assess if this variant is too frequent to cause the disease. Based on the score and internal cut-off values, a variant classified as benign is not then subjected to further curation. The score for this variant resulted in a classification of benign for this disease.

Illumina Laboratory Services, Illumina
Classification: Benign for Craniometaphyseal dysplasia, autosomal dominant. Last evaluated: 2018-01-13. Review status: criteria provided, single submitter. Criteria: ICSL Variant Classification Criteria 13 December 2019. Collection method: clinical testing. Allele origin: germline.
Comment: the same text as in the submission from Illumina Laboratory Services, Illumina above.

Breakthrough Genomics
Classification: Benign. Review status: criteria provided, single submitter. Criteria: ACMG Guidelines, 2015. Collection method: not provided. Allele origin: germline. Inheritance: Autosomal dominant inheritance. Affected: yes.